The following is an entry in ClinVar:

ClinVar aggregate classification (germline): Uncertain significance. Review status: criteria provided, multiple submitters, no conflicts (2 of 4 stars). 2 submissions from 2 submitters: Uncertain significance (2). Last evaluated 2026-05-21.

Conditions:
Familial adenomatous polyposis 1 (FAP1). Also called: FAMILIAL ADENOMATOUS POLYPOSIS 1, ATTENUATED; POLYPOSIS, ADENOMATOUS INTESTINAL. Identifiers: MedGen C2713442, MONDO:0021056, OMIM 175100. Disease mechanism: loss of function.
Hereditary cancer-predisposing syndrome. Also called: Neoplastic Syndromes, Hereditary; Tumor predisposition; Hereditary Cancer Syndrome; Hereditary neoplastic syndrome. Identifiers: Orphanet 140162, MedGen C0027672, MeSH D009386, MONDO:0015356.

Submissions (2):

Ambry Genetics
Classification: Uncertain significance for Hereditary cancer-predisposing syndrome. Last evaluated: 2026-05-21. Review status: criteria provided, single submitter. Criteria: Ambry Variant Classification Scheme 2023. Collection method: clinical testing. Allele origin: germline.
Comment: The p.Y1785C variant (also known as c.5354A>G), located in coding exon 15 of the APC gene, results from an A to G substitution at nucleotide position 5354. The tyrosine at codon 1785 is replaced by cysteine, an amino acid with highly dissimilar properties. This amino acid position is conserved. In addition, in silico predictors for this gene do not accurately predict pathogenicity. Based on the available evidence, the clinical significance of this variant remains unclear.

Labcorp Genetics (formerly Invitae), Labcorp
Classification: Uncertain significance for Familial adenomatous polyposis 1. Last evaluated: 2025-08-31. Review status: criteria provided, single submitter. Criteria: Invitae Variant Classification Sherloc (09022015). Collection method: clinical testing. Allele origin: germline.
Comment: This sequence change replaces tyrosine, which is neutral and polar, with cysteine, which is neutral and slightly polar, at codon 1785 of the APC protein (p.Tyr1785Cys). This variant is not present in population databases (gnomAD no frequency). This variant has not been reported in the literature in individuals affected with APC-related conditions. Invitae Evidence Modeling of protein sequence and biophysical properties (such as structural, functional, and spatial information, amino acid conservation, physicochemical variation, residue mobility, and thermodynamic stability) indicates that this missense variant is not expected to disrupt APC protein function with a negative predictive value of 95%. In summary, the available evidence is currently insufficient to determine the role of this variant in disease. Therefore, it has been classified as a Variant of Uncertain Significance.

NM_000038.6(APC):c.5354A>G (p.Tyr1785Cys)

Gene: APC (APC regulator of Wnt signaling pathway; plus strand). Cytogenetic location: 5q22.2.
Variant type: single nucleotide variant.
Coding change: c.5354A>G on transcript NM_000038.6 (MANE Select); coding-DNA position 5354, A replaced by G.
Protein change: p.Tyr1785Cys; replaces tyrosine 1785 with cysteine.
Molecular consequence: missense variant. On other transcripts: non-coding transcript variant (2).
Genome position (GRCh38, 1-based): chr5:112,840,948, A>G. VCF-style: chr5-112840948-A-G. GRCh37 (hg19) VCF-style: chr5-112176645-A-G.
Other names: c.5354A>G (NM_000038.5); c.5051A>G, p.Tyr1684Cys (NM_001407460.1, NM_001354903.2, NM_001407458.1 and 1 more transcripts); c.4967A>G, p.Tyr1656Cys (NM_001407467.1, NM_001407469.1); c.4505A>G, p.Tyr1502Cys (NM_001407470.1, NM_001354906.2); c.4202A>G, p.Tyr1401Cys (NM_001407471.1, NM_001407472.1); c.5354A>G, p.Tyr1785Cys (NM_001127510.3, NM_001354895.2, NM_001407450.1); c.5300A>G, p.Tyr1767Cys (NM_001127511.3); c.5408A>G, p.Tyr1803Cys (NM_001354896.2, NM_001407447.1, NM_001407448.1 and 1 more transcripts); and 12 more; short protein forms Y1659C, Y1744C, Y1760C, Y1778C, Y1785C, Y1656C, Y1684C, Y1757C.
Identifiers: ClinVar variation 4707561 (VCV004707561.2).